The following is an entry in ClinVar:

ClinVar aggregate classification (germline): Pathogenic/Likely pathogenic. Review status: criteria provided, multiple submitters, no conflicts (2 of 4 stars). 2 submissions from 2 submitters: Pathogenic (1); Likely pathogenic (1). Last evaluated 2025-07-03.

Conditions:
Thrombophilia due to protein S deficiency, autosomal recessive (THPH6). Identifiers: Orphanet 743, MedGen C3281092, MONDO:0013791, OMIM 614514. Disease mechanism: loss of function.

Submissions (2):

Mayo Clinic Laboratories, Mayo Clinic
Classification: Likely pathogenic. Last evaluated: 2025-07-03. Review status: criteria provided, single submitter. Criteria: ACMG Guidelines, 2015. Collection method: clinical testing. Allele origin: germline. Observed: 1 variant allele.
Comment: PM2_supporting, PVS1

Labcorp Genetics (formerly Invitae), Labcorp
Classification: Pathogenic for Thrombophilia due to protein S deficiency, autosomal recessive. Last evaluated: 2025-02-07. Review status: criteria provided, single submitter. Criteria: Invitae Variant Classification Sherloc (09022015). Collection method: clinical testing. Allele origin: germline.
Comment: This sequence change creates a premature translational stop signal (p.Gln471*) in the PROS1 gene. It is expected to result in an absent or disrupted protein product. Loss-of-function variants in PROS1 are known to be pathogenic (PMID: 9241758). This variant is not present in population databases (gnomAD no frequency). This premature translational stop signal has been observed in individual(s) with protein S deficiency disease (PMID: 18435454). For these reasons, this variant has been classified as Pathogenic.

Literature cited by the submitters: PubMed 18435454 (cited by Mayo Clinic Laboratories, Mayo Clinic and Labcorp Genetics (formerly Invitae), Labcorp); PubMed 9241758 (cited by Labcorp Genetics (formerly Invitae), Labcorp).

NM_000313.4(PROS1):c.1411C>T (p.Gln471Ter)

Gene: PROS1 (protein S; minus strand). Cytogenetic location: 3q11.1.
Variant type: single nucleotide variant.
Coding change: c.1411C>T on transcript NM_000313.4 (MANE Select); coding-DNA position 1411, C replaced by T.
Protein change: p.Gln471Ter; replaces glutamine 471 with a stop codon.
Molecular consequence: nonsense.
Genome position (GRCh38, 1-based): chr3:93,884,809, G>A on the plus strand (C>T on the coding strand, the complement: PROS1 is on the minus strand). VCF-style: chr3-93884809-G-A. GRCh37 (hg19) VCF-style: chr3-93603653-G-A.
Other names: p.Gln471*; c.1507C>T, p.Gln503Ter (NM_001314077.2); short protein forms Q471*, Q503*.
Identifiers: ClinVar variation 4540897 (VCV004540897.2).